The following is an entry in ClinVar:

ClinVar aggregate classification (germline): Uncertain significance. Review status: criteria provided, multiple submitters, no conflicts (2 of 4 stars). 4 submissions from 4 submitters: Uncertain significance (3). 1 of the submissions does not count toward it. Last evaluated 2026-06-04.

Conditions:
PKHD1-related disorder. Also called: PKHD1-related condition.
Polycystic kidney disease 4 (PKD4). Also called: Autosomal Recessive Polycystic Kidney Disease – PKHD1; PKD3; POLYCYSTIC KIDNEY DISEASE 4 WITH OR WITHOUT POLYCYSTIC LIVER DISEASE; POLYCYSTIC KIDNEY AND HEPATIC DISEASE 1; POLYCYSTIC KIDNEY DISEASE, INFANTILE, TYPE I. Identifiers: MedGen C4540575, MONDO:0033004, OMIM 263200.

Allele frequency attached by ClinVar (database versions not stated): TOPMed 0.00003.
gnomAD v4.1: 37 of 1,613,890 alleles (0.0023%); highest among the groups gnomAD compares: Middle Eastern, 0.016%; no homozygotes.

Submissions (4):

PreventionGenetics, part of Exact Sciences
Classification: Uncertain significance for PKHD1-related condition. Last evaluated: 2026-06-04. Review status: criteria provided, single submitter. Criteria: ACMG Guidelines, 2015. Collection method: clinical testing. Allele origin: germline.
Comment: The PKHD1 c.2168G>A variant is predicted to result in the amino acid substitution p.Arg723His. This variant was reported along with a second PKHD1 variant in an individual with polycystic kidney disease (Patient pkd62 in Melchionda et al. 2016. PubMed ID: 27225849). This variant is reported in 0.0044% of alleles in individuals of European (Non-Finnish) descent in gnomAD. At this time, the clinical significance of this variant is uncertain due to the absence of conclusive functional and genetic evidence.

GeneDx
Classification: Uncertain significance. Last evaluated: 2023-09-15. Review status: criteria provided, single submitter. Criteria: GeneDx Variant Classification Process June 2021. Collection method: clinical testing. Allele origin: germline.
Comment: Observed with a second variant (phase unknown) in a patient with autosomal recessive polycystic kidney disease in published literature (Melchionda et al., 2016); Not observed at significant frequency in large population cohorts (gnomAD); In silico analysis supports that this missense variant has a deleterious effect on protein structure/function; This variant is associated with the following publications: (PMID: 27225849)

Blueprint Genetics
Classification: Uncertain significance. Last evaluated: 2023-05-11. Review status: criteria provided, single submitter. Criteria: ACMG Guidelines, 2015. Collection method: clinical testing. Allele origin: germline.

Counsyl
Classification: Uncertain significance for Polycystic kidney disease 4. Last evaluated: 2017-02-14. Review status: no assertion criteria provided. Collection method: clinical testing. Allele origin: unknown. Not counted in ClinVar's aggregate classification.

Literature cited by the submitters: PubMed 27225849 (cited by Counsyl).

NM_138694.4(PKHD1):c.2168G>A (p.Arg723His)

Gene: PKHD1 (PKHD1 ciliary IPT domain containing fibrocystin/polyductin; minus strand). Cytogenetic location: 6p12.2.
Variant type: single nucleotide variant.
Coding change: c.2168G>A on transcript NM_138694.4 (MANE Select); coding-DNA position 2168, G replaced by A.
Protein change: p.Arg723His; replaces arginine 723 with histidine.
Molecular consequence: missense variant.
Genome position (GRCh38, 1-based): chr6:52,050,268, C>T on the plus strand (G>A on the coding strand, the complement: PKHD1 is on the minus strand). VCF-style: chr6-52050268-C-T. GRCh37 (hg19) VCF-style: chr6-51915066-C-T.
Other names: c.2168G>A, p.Arg723His (NM_170724.3); short protein forms R723H.
Identifiers: ClinVar variation 550644 (VCV000550644.6), dbSNP rs150597050, ClinGen allele CA3853313.